The following is an entry in ClinVar:

NM_001009944.3(PKD1):c.8156T>C (p.Ile2719Thr)

Gene: PKD1 (polycystin 1, transient receptor potential channel interacting; minus strand). Cytogenetic location: 16p13.3.
Variant type: single nucleotide variant.
Coding change: c.8156T>C on transcript NM_001009944.3 (MANE Select); coding-DNA position 8156, T replaced by C.
Protein change: p.Ile2719Thr; replaces isoleucine 2719 with threonine.
Molecular consequence: missense variant.
Genome position (GRCh38, 1-based): chr16:2,104,503, A>G on the plus strand (T>C on the coding strand, the complement: PKD1 is on the minus strand). VCF-style: chr16-2104503-A-G. GRCh37 (hg19) VCF-style: chr16-2154504-A-G.
Other names: c.8156T>C, p.Ile2719Thr (NM_000296.4); short protein forms I2719T.
Identifiers: ClinVar variation 997386 (VCV000997386.1), dbSNP rs2092259288, ClinGen allele CA394365295.

ClinVar aggregate classification (germline): Uncertain significance (0 of 4 stars; one submission).

Conditions:
Polycystic kidney disease. Also called: Polycystic kidney dysplasia; Kidney, Polycystic. Identifiers: MedGen C0022680, MeSH D007690, MONDO:0020642, HP:0000113.

Submission:

Department of Pathology and Laboratory Medicine, Sinai Health System
Classification: Uncertain significance for Polycystic Kidney disease. Review status: no assertion criteria provided. Collection method: clinical testing. Allele origin: unknown. Affected: yes. Study: The Canadian Open Genetics Repository (COGR).
Comment: The PKD1 p.Ile2719Thr variant was not identified in the literature nor was it identified in the dbSNP, ClinVar, LOVD 3.0, ADPKD Mutation Database, or PKD1-LOVD databases. The variant was not identified in the following control databases: the Exome Aggregation Consortium (August 8th 2016), or the Genome Aggregation Database (Feb 27, 2017). The p.Ile2719 residue is conserved across mammals and other organisms, and computational analyses (PolyPhen-2, SIFT, AlignGVGD, BLOSUM, MutationTaster) suggest that the Thr variant may impact the protein; however, this information is not predictive enough to assume pathogenicity. The variant occurs outside of the splicing consensus sequence (6 bases before the end of exon 6), and 1 of 4 in silico or computational prediction software programs (SpliceSiteFinder, MaxEntScan, NNSPLICE, GeneSplicer) predict a greater than 10% difference in splicing; this is not very predictive of pathogenicity. In summary, based on the above information the clinical significance of this variant cannot be determined with certainty at this time. This variant is classified as a variant of uncertain significance.